The following is an entry in ClinVar:

NM_003235.5(TG):c.3231C>T (p.Cys1077=)

Gene: TG (thyroglobulin; plus strand). Cytogenetic location: 8q24.22.
Variant type: single nucleotide variant.
Coding change: c.3231C>T on transcript NM_003235.5 (MANE Select); coding-DNA position 3231, C replaced by T.
Protein change: p.Cys1077=; no amino-acid change (cysteine 1077 retained).
Molecular consequence: synonymous variant.
Genome position (GRCh38, 1-based): chr8:132,898,811, C>T. VCF-style: chr8-132898811-C-T. GRCh37 (hg19) VCF-style: chr8-133911056-C-T.
Identifiers: ClinVar variation 2658832 (VCV002658832.27), dbSNP rs142308887, ClinGen allele CA4883686.
Genomic context (GRCh38, chr8:132,898,811, plus strand): 5'-CTTGGCTCCCACGACCAGTCCTTTACAAGCACCTCTCTCTCCCACAGGCCCGACAACCTG[C>T]GAGAAATCTCGAACCAGTGGGCTGCTTTCCAGTTGGAAACAGGCTAGATCCCAAGAAAAC-3'
Protein context (NP_003226.4, residues 1067-1087): SLQIPQCPTT[Cys1077=]EKSRTSGLLS

ClinVar aggregate classification (germline): Likely benign. Review status: criteria provided, multiple submitters, no conflicts (2 of 4 stars). 2 submissions from 2 submitters: Likely benign (2). Last evaluated 2024-03-10.

Allele frequency attached by ClinVar (database versions not stated): gnomAD exomes 0.00005; ExAC 0.00007; gnomAD 0.00013; TOPMed 0.00018; ESP Exome Variant Server 0.00046.
gnomAD v4.1: 95 of 1,613,998 alleles (0.0059%); highest among the groups gnomAD compares: African/African-American, 0.033%; no homozygotes.

Submissions (2):

Labcorp Genetics (formerly Invitae), Labcorp
Classification: Likely benign. Last evaluated: 2024-03-10. Review status: criteria provided, single submitter. Criteria: Invitae Variant Classification Sherloc (09022015). Collection method: clinical testing. Allele origin: germline.

CeGaT Center for Human Genetics Tuebingen
Classification: Likely benign. Last evaluated: 2023-06-01. Review status: criteria provided, single submitter. Criteria: CeGaT Center For Human Genetics Tuebingen Variant Classification Criteria Version 2. Collection method: clinical testing. Allele origin: germline. Affected: yes. Observed: 1 variant allele.
Comment: TG: BP4, BP7